The following is an entry in ClinVar:

ClinVar aggregate classification (germline): Uncertain significance (1 of 4 stars; one submission).

Conditions:
Developmental and epileptic encephalopathy. Identifiers: MedGen C5779964, MONDO:0100620.

Allele frequency attached by ClinVar (database versions not stated): gnomAD exomes 0.00001 and below 0.00001; TOPMed 0.00001; ExAC 0.00002.
gnomAD v4.1: 4 of 1,613,960 alleles (0.00025%); highest among the groups gnomAD compares: Admixed American, 0.005%; no homozygotes.

Submission:

Labcorp Genetics (formerly Invitae), Labcorp
Classification: Uncertain significance for Early-infantile DEE. Last evaluated: 2023-08-24. Review status: criteria provided, single submitter. Criteria: Invitae Variant Classification Sherloc (09022015). Collection method: clinical testing. Allele origin: germline.
Comment: In summary, the available evidence is currently insufficient to determine the role of this variant in disease. Therefore, it has been classified as a Variant of Uncertain Significance. An algorithm developed to predict the effect of missense changes on protein structure and function (PolyPhen-2) suggests that this variant¬†is likely to be tolerated. ClinVar contains an entry for this variant (Variation ID: 571318). This variant has not been reported in the literature in individuals affected with CACNA2D2-related conditions. This variant is present in population databases (rs747980917, gnomAD 0.009%). This sequence change replaces asparagine, which is neutral and polar, with serine, which is neutral and polar, at codon 878 of the CACNA2D2 protein (p.Asn878Ser).

NM_006030.4(CACNA2D2):c.2633A>G (p.Asn878Ser)

Genes: CACNA2D2 (calcium voltage-gated channel auxiliary subunit alpha2delta 2; minus strand), LOC101928965 (uncharacterized LOC101928965; plus strand), LOC127898564 (CYB561D2-LOC101928965; plus strand). Cytogenetic location: 3p21.31.
Variant type: single nucleotide variant.
Coding change: c.2633A>G on transcript NM_006030.4 (MANE Select); coding-DNA position 2633, A replaced by G.
Protein change: p.Asn878Ser; replaces asparagine 878 with serine.
Molecular consequence: missense variant.
Genome position (GRCh38, 1-based): chr3:50,366,582, T>C on the plus strand (A>G on the coding strand, the complement: CACNA2D2 is on the minus strand). VCF-style: chr3-50366582-T-C. GRCh37 (hg19) VCF-style: chr3-50404013-T-C.
Other names: c.2633A>G, p.Asn878Ser (NM_001005505.3); c.2654A>G, p.Asn885Ser (NM_001174051.3); c.2426A>G, p.Asn809Ser (NM_001291101.1); short protein forms N885S, N878S, N809S.
Identifiers: ClinVar variation 571318 (VCV000571318.8), dbSNP rs747980917, ClinGen allele CA2418422.